The following is an entry in ClinVar:

NM_000492.4(CFTR):c.1767-2A>G

Gene: CFTR (CF transmembrane conductance regulator; plus strand). Cytogenetic location: 7q31.2.
Variant type: single nucleotide variant.
Coding change: c.1767-2A>G on transcript NM_000492.4 (MANE Select); the canonical splice acceptor site of the intron before coding-DNA position 1767, A replaced by G.
Molecular consequence: splice acceptor variant.
Genome position (GRCh38, 1-based): chr7:117,591,932, A>G. VCF-style: chr7-117591932-A-G. GRCh37 (hg19) VCF-style: chr7-117231986-A-G.
Other names: c.1767-2A>G (NM_000492.3).
Identifiers: ClinVar variation 1705995 (VCV001705995.2), dbSNP rs2485109059, ClinGen allele CA368977702.

ClinVar aggregate classification (germline): Pathogenic/Likely pathogenic. Review status: criteria provided, multiple submitters, no conflicts (2 of 4 stars). 2 submissions from 2 submitters: Pathogenic (1); Likely pathogenic (1). Last evaluated 2025-02-18.

Conditions:
CFTR-related disorder (CFTR-RD). Also called: CFTR-related condition; CFTR-related disorders. Identifiers: MedGen C5924204, MONDO:7770004.
Cystic fibrosis (CF). Also called: MUCOVISCIDOSIS. Identifiers: Orphanet 586, MedGen C0010674, MONDO:0009061, OMIM 219700. Disease mechanism: loss of function.

Submissions (2):

Natera, Inc.
Classification: Pathogenic for CFTR-related disorders. Last evaluated: 2025-02-18. Review status: criteria provided, single submitter. Criteria: Natera Variant Classification Schema (03/2026). Collection method: clinical testing. Allele origin: germline.
Comment: The c.1767-2A>G variant in CFTR is a canonical splice acceptor site variant predicted to affect pre-mRNA splicing, which may result in an abnormal transcript and altered protein product. This variant is expected to result in nonsense mediated decay, truncation, or a dysfunctional protein product. This variant is rare in the general population with a frequency below the threshold expected for the associated phenotype(s). This variant has been observed in one or more individuals affected with the associated recessive disease, as either homozygous or compound heterozygous with a second variant (PMID: 37867076). Given the available evidence, this variant is classified as Pathogenic.

Institute of Human Genetics, University of Leipzig Medical Center
Classification: Likely pathogenic for Cystic fibrosis. Last evaluated: 2022-09-05. Review status: criteria provided, single submitter. Criteria: ACMG Guidelines, 2015. Collection method: curation. Allele origin: unknown. Affected: yes. Observed: 1 variant allele.
Comment: The variant was classified in the context of a project re-classifying variants in the German Cystic Fibrosis Registry (Muko.e.V.). Criteria applied: PVS1, PM2_SUP

Literature cited by the submitters: PubMed 37867076 (cited by Natera, Inc.).